The following is an entry in ClinVar:

ClinVar aggregate classification (germline): Pathogenic (1 of 4 stars; one submission).

Submission:

GeneDx
Classification: Pathogenic. Last evaluated: 2022-07-15. Review status: criteria provided, single submitter. Criteria: GeneDx Variant Classification Process June 2021. Collection method: clinical testing. Allele origin: germline. Affected: yes.
Comment: Not observed at significant frequency in large population cohorts (gnomAD); In silico analysis supports that this missense variant has a deleterious effect on protein structure/function; This variant is associated with the following publications: (PMID: 29927410)

NM_000165.5(GJA1):c.461C>T (p.Thr154Ile)

Gene: GJA1 (gap junction protein alpha 1; plus strand). Cytogenetic location: 6q22.31.
Variant type: single nucleotide variant.
Coding change: c.461C>T on transcript NM_000165.5 (MANE Select); coding-DNA position 461, C replaced by T.
Protein change: p.Thr154Ile; replaces threonine 154 with isoleucine.
Molecular consequence: missense variant.
Genome position (GRCh38, 1-based): chr6:121,447,308, C>T. VCF-style: chr6-121447308-C-T. GRCh37 (hg19) VCF-style: chr6-121768454-C-T.
Other names: short protein forms T154I.
Identifiers: ClinVar variation 2136231 (VCV002136231.1), dbSNP rs2536821904, ClinGen allele CA365559062.